The following is an entry in ClinVar:

NM_000059.4(BRCA2):c.6266A>G (p.Glu2089Gly)

Gene: BRCA2 (BRCA2 DNA repair associated; plus strand). Cytogenetic location: 13q13.1.
Variant type: single nucleotide variant.
Coding change: c.6266A>G on transcript NM_000059.4 (MANE Select); coding-DNA position 6266, A replaced by G.
Protein change: p.Glu2089Gly; replaces glutamic acid 2089 with glycine.
Molecular consequence: missense variant.
Genome position (GRCh38, 1-based): chr13:32,340,621, A>G. VCF-style: chr13-32340621-A-G. GRCh37 (hg19) VCF-style: chr13-32914758-A-G.
Other names: c.6266A>G, p.Glu2089Gly (NM_001406719.1, NM_001406720.1); short protein forms E2089G.
Identifiers: ClinVar variation 1752514 (VCV001752514.5), dbSNP rs2137525811, ClinGen allele CA387788961.

ClinVar aggregate classification (germline): Conflicting classifications of pathogenicity. Review status: criteria provided, conflicting classifications (1 of 4 stars). 3 submissions from 3 submitters: Uncertain significance (2); Likely benign (1). Last evaluated 2025-09-03.

Conditions:
Hereditary cancer-predisposing syndrome. Also called: Hereditary Cancer Syndrome; Hereditary neoplastic syndrome; Neoplastic Syndromes, Hereditary; Tumor predisposition. Identifiers: Orphanet 140162, MedGen C0027672, MeSH D009386, MONDO:0015356.

Submissions (3):

Women's Health and Genetics/Laboratory Corporation of America, LabCorp
Classification: Uncertain significance. Last evaluated: 2025-09-03. Review status: criteria provided, single submitter. Criteria: LabCorp Variant Classification Summary - May 2015. Collection method: clinical testing. Allele origin: germline.

University of Washington Department of Laboratory Medicine, University of Washington
Classification: Likely benign for Hereditary cancer-predisposing syndrome. Last evaluated: 2023-03-23. Review status: criteria provided, single submitter. Criteria: Dines et al. (Genet Med. 2020). Collection method: curation. Allele origin: germline.
Comment: Missense variant in a coldspot region where missense variants are very unlikely to be pathogenic (PMID:31911673).

BRCA2 exon 11 coldspot. Reclassification based on statistical prior probability.

Ambry Genetics
Classification: Uncertain significance for Hereditary cancer-predisposing syndrome. Last evaluated: 2022-03-05. Review status: criteria provided, single submitter. Criteria: Ambry Variant Classification Scheme 2023. Collection method: clinical testing. Allele origin: germline.
Comment: The p.E2089G variant (also known as c.6266A>G), located in coding exon 10 of the BRCA2 gene, results from an A to G substitution at nucleotide position 6266. The glutamic acid at codon 2089 is replaced by glycine, an amino acid with similar properties. This amino acid position is conserved. In addition, this alteration is predicted to be tolerated by in silico analysis. Since supporting evidence is limited at this time, the clinical significance of this alteration remains unclear.